The following is an entry in ClinVar:

NM_182493.3(MYLK3):c.1075A>G (p.Thr359Ala)

Gene: MYLK3 (myosin light chain kinase 3; minus strand). Cytogenetic location: 16q11.2.
Variant type: single nucleotide variant.
Coding change: c.1075A>G on transcript NM_182493.3 (MANE Select); coding-DNA position 1075, A replaced by G.
Protein change: p.Thr359Ala; replaces threonine 359 with alanine.
Molecular consequence: missense variant.
Genome position (GRCh38, 1-based): chr16:46,732,595, T>C on the plus strand (A>G on the coding strand, the complement: MYLK3 is on the minus strand). VCF-style: chr16-46732595-T-C. GRCh37 (hg19) VCF-style: chr16-46766507-T-C.
Other names: c.52A>G, p.Thr18Ala (NM_001308301.1); short protein forms T18A, T359A.
Identifiers: ClinVar variation 2129196 (VCV002129196.4), dbSNP rs1474813309, ClinGen allele CA395793028.
Genomic context (GRCh38, chr16:46,732,595, plus strand): 5'-CGGTCCCAGGTGGGCCCTGCTTGCCTGGCTGGGCAGCTGCTGGAGCCTCTGTGGTGAGGG[T>C]GGGTCCAAGGCTGCCCCTGCCTGTCATCAGCATCTCCCCAGGAGTATCCATCTCTTGTAT-3'
Protein context (NP_872299.2, residues 349-369): LMTGRGSLGP[Thr359Ala]LTTEAPAAAQ

ClinVar aggregate classification (germline): Uncertain significance (1 of 4 stars; one submission).

Allele frequency attached by ClinVar (database versions not stated): gnomAD exomes below 0.00001.
gnomAD v4.1: 1 of 1,596,062 alleles (0.000063%); highest among the groups gnomAD compares: African/African-American, 0.0013%; no homozygotes.

Submission:

Labcorp Genetics (formerly Invitae), Labcorp
Classification: Uncertain significance. Last evaluated: 2022-04-22. Review status: criteria provided, single submitter. Criteria: Invitae Variant Classification Sherloc (09022015). Collection method: clinical testing. Allele origin: germline.
Comment: This sequence change replaces threonine, which is neutral and polar, with alanine, which is neutral and non-polar, at codon 359 of the MYLK3 protein (p.Thr359Ala). This variant is present in population databases (no rsID available, gnomAD 0.007%). This variant has not been reported in the literature in individuals affected with MYLK3-related conditions. Algorithms developed to predict the effect of missense changes on protein structure and function output the following: SIFT: "Tolerated"; PolyPhen-2: "Benign"; Align-GVGD: "Class C0". The alanine amino acid residue is found in multiple mammalian species, which suggests that this missense change does not adversely affect protein function. In summary, the available evidence is currently insufficient to determine the role of this variant in disease. Therefore, it has been classified as a Variant of Uncertain Significance.